The following is an entry in ClinVar:

NM_001353345.2(SETD1B):c.2028C>T (p.Ala676=)

Gene: SETD1B (SET domain containing 1B, histone lysine methyltransferase; plus strand). Cytogenetic location: 12q24.31.
Variant type: single nucleotide variant.
Coding change: c.2028C>T on transcript NM_001353345.2 (MANE Select); coding-DNA position 2028, C replaced by T.
Protein change: p.Ala676=; no amino-acid change (alanine 676 retained).
Molecular consequence: synonymous variant.
Genome position (GRCh38, 1-based): chr12:121,814,243, C>T. VCF-style: chr12-121814243-C-T. GRCh37 (hg19) VCF-style: chr12-122252149-C-T.
Other names: NM_015048.1:c.2028C>T.
Identifiers: ClinVar variation 4984085 (VCV004984085.1).

ClinVar aggregate classification (germline): Likely benign (1 of 4 stars; one submission).

Conditions:
SETD1B-related disorder. Also called: SETD1B-related condition.

gnomAD v4.1: 1 of 1,516,632 alleles (0.000066%); highest among the groups gnomAD compares: Non-Finnish European, 0.000088%; no homozygotes.

Submission:

PreventionGenetics, part of Exact Sciences
Classification: Likely benign for SETD1B-related condition. Last evaluated: 2025-12-29. Review status: criteria provided, single submitter. Criteria: ACMG Guidelines, 2015. Collection method: clinical testing. Allele origin: germline.
Comment: This variant is classified as likely benign based on ACMG/AMP sequence variant interpretation guidelines (Richards et al. 2015 PMID: 25741868, with internal and published modifications).